The following is an entry in ClinVar:

NM_000137.4(FAH):c.839A>G (p.Asp280Gly)

Gene: FAH (fumarylacetoacetate hydrolase; plus strand). Cytogenetic location: 15q25.1.
Variant type: single nucleotide variant.
Coding change: c.839A>G on transcript NM_000137.4 (MANE Select); coding-DNA position 839, A replaced by G.
Protein change: p.Asp280Gly; replaces aspartic acid 280 with glycine.
Molecular consequence: missense variant.
Genome position (GRCh38, 1-based): chr15:80,175,017, A>G. VCF-style: chr15-80175017-A-G. GRCh37 (hg19) VCF-style: chr15-80467359-A-G.
Other names: c.839A>G, p.Asp280Gly (NM_001374377.1, NM_001374380.1); short protein forms D280G.
Identifiers: ClinVar variation 5000658 (VCV005000658.1).
Genomic context (GRCh38, chr15:80,175,017, plus strand): 5'-CAGCCGGGTGAGCTCAGCCCACCTGCCAGTGACCTCTGTGCTGTGCTTTGCCCTCTCAGG[A>G]CCCCAGGCCCCTGCCGTATCTGTGCCATGACGAGCCCTACACATTTGACATCAACCTCTC-3'
Protein context (NP_000128.1, residues 270-290): MPFAVPNPKQ[Asp280Gly]PRPLPYLCHD

ClinVar aggregate classification (germline): Uncertain significance (1 of 4 stars; one submission).

Conditions:
FAH-related disorder. Also called: FAH-related condition.

gnomAD v4.1: 9 of 1,613,554 alleles (0.00056%); highest among the groups gnomAD compares: Non-Finnish European, 0.00076%; no homozygotes.

Submission:

PreventionGenetics, part of Exact Sciences
Classification: Uncertain significance for FAH-related condition. Last evaluated: 2025-09-19. Review status: criteria provided, single submitter. Criteria: ACMG Guidelines, 2015. Collection method: clinical testing. Allele origin: germline.
Comment: The FAH c.839A>G variant is predicted to result in the amino acid substitution p.Asp280Gly. To our knowledge, this variant has not been reported in the literature. This variant is reported in 0.0018% of alleles in individuals of European (Non-Finnish) descent in gnomAD. At this time, the clinical significance of this variant is uncertain due to the absence of conclusive functional and genetic evidence.